The following is an entry in ClinVar:

ClinVar aggregate classification (germline): Uncertain significance (1 of 4 stars; one submission).

Submission:

Ambry Genetics
Classification: Uncertain significance. Last evaluated: 2021-08-28. Review status: criteria provided, single submitter. Criteria: Ambry Variant Classification Scheme 2023. Collection method: clinical testing. Allele origin: germline.
Comment: The p.E1762D variant (also known as c.5286A>T), located in coding exon 4 of the ALPK2 gene, results from an A to T substitution at nucleotide position 5286. The glutamic acid at codon 1762 is replaced by aspartic acid, an amino acid with highly similar properties. This amino acid position is conserved. In addition, this alteration is predicted to be tolerated by in silico analysis. Since supporting evidence is limited at this time, the clinical significance of this alteration remains unclear.

NM_052947.4(ALPK2):c.5286A>T (p.Glu1762Asp)

Genes: ALPK2 (alpha kinase 2; minus strand), LOC130062577 (ATAC-STARR-seq lymphoblastoid active region 13389; plus strand). Cytogenetic location: 18q21.31.
Variant type: single nucleotide variant.
Coding change: c.5286A>T on transcript NM_052947.4 (MANE Select); coding-DNA position 5286, A replaced by T.
Protein change: p.Glu1762Asp; replaces glutamic acid 1762 with aspartic acid.
Molecular consequence: missense variant.
Genome position (GRCh38, 1-based): chr18:58,534,901, T>A on the plus strand (A>T on the coding strand, the complement: ALPK2 is on the minus strand). VCF-style: chr18-58534901-T-A. GRCh37 (hg19) VCF-style: chr18-56202133-T-A.
Other names: short protein forms E1762D.
Identifiers: ClinVar variation 1746593 (VCV001746593.2), dbSNP rs2518873178, ClinGen allele CA402557205.
Genomic context (GRCh38, chr18:58,534,901, plus strand): 5'-TTCTCTTTTGCAAGATGGCTTTTTTGGGTCTTGTTTCTCTTCTGTGTGTGATAATGATGT[T>A]TCGAGTTTGGGCATCTTTTTAAGAAAGGCTGAGTTCTTTCTGATATTTTCCTTTTCTTCC-3'
Protein context (NP_443179.3, residues 1752-1772): SAFLKKMPKL[Glu1762Asp]TSLSHTEEKQ